The following is an entry in ClinVar:

NM_006031.6(PCNT):c.6439A>G (p.Ile2147Val)

Gene: PCNT (pericentrin; plus strand). Cytogenetic location: 21q22.3.
Variant type: single nucleotide variant.
Coding change: c.6439A>G on transcript NM_006031.6 (MANE Select); coding-DNA position 6439, A replaced by G.
Protein change: p.Ile2147Val; replaces isoleucine 2147 with valine.
Molecular consequence: missense variant.
Genome position (GRCh38, 1-based): chr21:46,416,357, A>G. VCF-style: chr21-46416357-A-G. GRCh37 (hg19) VCF-style: chr21-47836271-A-G.
Other names: c.6085A>G, p.Ile2029Val (NM_001315529.2); short protein forms I2029V, I2147V.
Identifiers: ClinVar variation 2634105 (VCV002634105.4), dbSNP rs976371775, ClinGen allele CA322000050.

ClinVar aggregate classification (germline): Uncertain significance (1 of 4 stars; one submission).

Conditions:
PCNT-related disorder. Also called: PCNT-related condition.

Allele frequency attached by ClinVar (database versions not stated): gnomAD exomes below 0.00001; gnomAD 0.00005; TOPMed 0.00005.
gnomAD v4.1: 12 of 1,614,024 alleles (0.00074%); highest among the groups gnomAD compares: African/African-American, 0.013%; no homozygotes.

Submission:

PreventionGenetics, part of Exact Sciences
Classification: Uncertain significance for PCNT-related condition. Last evaluated: 2026-03-18. Review status: criteria provided, single submitter. Criteria: ACMG Guidelines, 2015. Collection method: clinical testing. Allele origin: germline.
Comment: The PCNT c.6439A>G variant is predicted to result in the amino acid substitution p.Ile2147Val. To our knowledge, this variant has not been reported in the literature. This variant is reported in 0.0080% of alleles in individuals of African descent in gnomAD. At this time, the clinical significance of this variant is uncertain due to the absence of conclusive functional and genetic evidence.